The following is an entry in ClinVar:

NM_032383.5(HPS3):c.2383C>T (p.Leu795Phe)

Genes: CP (ceruloplasmin; minus strand), HPS3 (HPS3 biogenesis of lysosomal organelles complex 2 subunit 1; plus strand). Cytogenetic location: 3q24.
Variant type: single nucleotide variant.
Coding change: c.2383C>T on transcript NM_032383.5 (MANE Select); coding-DNA position 2383, C replaced by T.
Protein change: p.Leu795Phe; replaces leucine 795 with phenylalanine.
Molecular consequence: missense variant. On other transcripts: non-coding transcript variant (1).
Genome position (GRCh38, 1-based): chr3:149,162,780, C>T. VCF-style: chr3-149162780-C-T. GRCh37 (hg19) VCF-style: chr3-148880567-C-T.
Other names: c.1888C>T, p.Leu630Phe (NM_001308258.2); short protein forms L630F, L795F.
Identifiers: ClinVar variation 3675231 (VCV003675231.2).

ClinVar aggregate classification (germline): Uncertain significance (1 of 4 stars; one submission).

Submission:

Labcorp Genetics (formerly Invitae), Labcorp
Classification: Uncertain significance. Last evaluated: 2025-01-17. Review status: criteria provided, single submitter. Criteria: Invitae Variant Classification Sherloc (09022015). Collection method: clinical testing. Allele origin: germline.
Comment: This sequence change replaces leucine, which is neutral and non-polar, with phenylalanine, which is neutral and non-polar, at codon 795 of the HPS3 protein (p.Leu795Phe). This variant is not present in population databases (gnomAD no frequency). This variant has not been reported in the literature in individuals affected with HPS3-related conditions. Invitae Evidence Modeling of protein sequence and biophysical properties (such as structural, functional, and spatial information, amino acid conservation, physicochemical variation, residue mobility, and thermodynamic stability) indicates that this missense variant is not expected to disrupt HPS3 protein function with a negative predictive value of 80%. In summary, the available evidence is currently insufficient to determine the role of this variant in disease. Therefore, it has been classified as a Variant of Uncertain Significance.